The following is an entry in ClinVar:

ClinVar aggregate classification (germline): Pathogenic (1 of 4 stars; one submission).

Submission:

Labcorp Genetics (formerly Invitae), Labcorp
Classification: Pathogenic. Last evaluated: 2021-09-15. Review status: criteria provided, single submitter. Criteria: Invitae Variant Classification Sherloc (09022015). Collection method: clinical testing. Allele origin: germline.
Comment: This sequence change creates a premature translational stop signal (p.Tyr714*) in the SLC12A6 gene. It is expected to result in an absent or disrupted protein product. Loss-of-function variants in SLC12A6 are known to be pathogenic (PMID: 12368912, 16606917). This variant is not present in population databases (ExAC no frequency). This variant has not been reported in the literature in individuals affected with SLC12A6-related conditions. For these reasons, this variant has been classified as Pathogenic.

Literature cited by the submitters: PubMed 12368912; PubMed 16606917.

NM_001365088.1(SLC12A6):c.2142C>G (p.Tyr714Ter)

Gene: SLC12A6 (solute carrier family 12 member 6; minus strand). Cytogenetic location: 15q14.
Variant type: single nucleotide variant.
Coding change: c.2142C>G on transcript NM_001365088.1 (MANE Select); coding-DNA position 2142, C replaced by G.
Protein change: p.Tyr714Ter; replaces tyrosine 714 with a stop codon.
Molecular consequence: nonsense.
Genome position (GRCh38, 1-based): chr15:34,242,122, G>C on the plus strand (C>G on the coding strand, the complement: SLC12A6 is on the minus strand). VCF-style: chr15-34242122-G-C. GRCh37 (hg19) VCF-style: chr15-34534323-G-C.
Other names: c.1965C>G, p.Tyr655Ter (NM_001042494.2, NM_001042495.2); c.2115C>G, p.Tyr705Ter (NM_001042496.2); c.2097C>G, p.Tyr699Ter (NM_001042497.2); c.1989C>G, p.Tyr663Ter (NM_005135.2); c.2142C>G, p.Tyr714Ter (NM_133647.2); short protein forms Y663*, Y705*, Y714*, Y655*, Y699*.
Identifiers: ClinVar variation 1409721 (VCV001409721.6), dbSNP rs2140670185, ClinGen allele CA391620217.
Genomic context (GRCh38, chr15:34,242,122, plus strand): 5'-TGCTACTTTTAGCAGTGATCAAGATTAAATCCACACTCACCCTTGGTATTCAATGTACTT[G>C]TAGATCATACCAGCTATTACCATGGCTACAATGGCATAATACCAGGAAGAAATGAACATC-3'